The following is an entry in ClinVar:

ClinVar aggregate classification (germline): Benign/Likely benign. Review status: criteria provided, multiple submitters, no conflicts (2 of 4 stars). 3 submissions from 3 submitters: Benign (1); Likely benign (2). Last evaluated 2025-10-29.

Conditions:
Hereditary cancer-predisposing syndrome. Also called: Neoplastic Syndromes, Hereditary; Tumor predisposition; Hereditary Cancer Syndrome; Hereditary neoplastic syndrome. Identifiers: Orphanet 140162, MedGen C0027672, MeSH D009386, MONDO:0015356.
Oligodontia-cancer predisposition syndrome. Also called: TOOTH AGENESIS-COLORECTAL CANCER SYNDROME. Identifiers: Orphanet 300576, MedGen C1837750, MONDO:0012075, OMIM 608615. Disease mechanism: loss of function.

Allele frequency attached by ClinVar (database versions not stated): gnomAD exomes below 0.00001.
gnomAD v4.1: 1 of 1,613,664 alleles (0.000062%); highest among the groups gnomAD compares: Non-Finnish European, 0.000085%; no homozygotes.

Submissions (3):

Labcorp Genetics (formerly Invitae), Labcorp
Classification: Likely benign for Oligodontia-cancer predisposition syndrome. Last evaluated: 2025-10-29. Review status: criteria provided, single submitter. Criteria: Invitae Variant Classification Sherloc (09022015). Collection method: clinical testing. Allele origin: germline.

Myriad Genetics, Inc.
Classification: Benign for Oligodontia-cancer predisposition syndrome. Last evaluated: 2024-07-08. Review status: criteria provided, single submitter. Criteria: Myriad Autosomal Dominant, Autosomal Recessive and X-Linked Classification Criteria (2023). Collection method: clinical testing. Allele origin: unknown.
Comment: This variant is considered benign. This variant is a silent/synonymous amino acid change and it is not expected to impact splicing.

Ambry Genetics
Classification: Likely benign for Hereditary cancer-predisposing syndrome. Last evaluated: 2022-09-28. Review status: criteria provided, single submitter. Criteria: Ambry Variant Classification Scheme 2023. Collection method: clinical testing. Allele origin: germline.

NM_004655.4(AXIN2):c.1857C>G (p.Val619=)

Gene: AXIN2 (axin 2; minus strand). Cytogenetic location: 17q24.1.
Variant type: single nucleotide variant.
Coding change: c.1857C>G on transcript NM_004655.4 (MANE Select); coding-DNA position 1857, C replaced by G.
Protein change: p.Val619=; no amino-acid change (valine 619 retained).
Molecular consequence: synonymous variant. On other transcripts: intron variant (1).
Genome position (GRCh38, 1-based): chr17:65,536,919, G>C on the plus strand (C>G on the coding strand, the complement: AXIN2 is on the minus strand). VCF-style: chr17-65536919-G-C. GRCh37 (hg19) VCF-style: chr17-63533037-G-C.
Other names: c.1713-366C>G (NM_001363813.1).
Identifiers: ClinVar variation 1781424 (VCV001781424.6), dbSNP rs756196500, ClinGen allele CA8718509.
Genomic context (GRCh38, chr17:65,536,919, plus strand): 5'-CGGTGTTTACCTATGGGGCTTGGGCTTGCTCTGCCGCTCACTCTCCAGCATCCACTGCCA[G>C]ACATCCTGCGACCTGTCTCCTTCCTCCCGGGGAAGCTGCAGGGCCCCAGCTCCGCCGGGG-3'
Protein context (NP_004646.3, residues 609-629): PREEGDRSQD[Val619=]WQWMLESERQ